The following is an entry in ClinVar:

ClinVar aggregate classification (germline): Uncertain significance (1 of 4 stars; one submission).

gnomAD v4.1: 6 of 1,613,844 alleles (0.00037%); highest among the groups gnomAD compares: East Asian, 0.0022%; no homozygotes.

Submission:

Labcorp Genetics (formerly Invitae), Labcorp
Classification: Uncertain significance. Last evaluated: 2025-08-14. Review status: criteria provided, single submitter. Criteria: Invitae Variant Classification Sherloc (09022015). Collection method: clinical testing. Allele origin: germline.
Comment: This sequence change replaces methionine, which is neutral and non-polar, with isoleucine, which is neutral and non-polar, at codon 72 of the SCN3A protein (p.Met72Ile). This variant is present in population databases (no rsID available, gnomAD 0.003%). This variant has not been reported in the literature in individuals affected with SCN3A-related conditions. ClinVar contains an entry for this variant (Variation ID: 3665516). Invitae Evidence Modeling of protein sequence and biophysical properties (such as structural, functional, and spatial information, amino acid conservation, physicochemical variation, residue mobility, and thermodynamic stability) indicates that this missense variant is not expected to disrupt SCN3A protein function with a negative predictive value of 80%. In summary, the available evidence is currently insufficient to determine the role of this variant in disease. Therefore, it has been classified as a Variant of Uncertain Significance.

NM_006922.4(SCN3A):c.216G>A (p.Met72Ile)

Gene: SCN3A (sodium voltage-gated channel alpha subunit 3; minus strand). Cytogenetic location: 2q24.3.
Variant type: single nucleotide variant.
Coding change: c.216G>A on transcript NM_006922.4 (MANE Select); coding-DNA position 216, G replaced by A.
Protein change: p.Met72Ile; replaces methionine 72 with isoleucine.
Molecular consequence: missense variant.
Genome position (GRCh38, 1-based): chr2:165,176,179, C>T on the plus strand (G>A on the coding strand, the complement: SCN3A is on the minus strand). VCF-style: chr2-165176179-C-T. GRCh37 (hg19) VCF-style: chr2-166032689-C-T.
Other names: c.216G>A, p.Met72Ile (NM_001081676.2, NM_001081677.2); short protein forms M72I.
Identifiers: ClinVar variation 3665516 (VCV003665516.2).